The following is an entry in ClinVar:

ClinVar aggregate classification (germline): Benign (1 of 4 stars; one submission).

Conditions:
Tuberous sclerosis 2 (TSC2). Identifiers: Orphanet 805, MedGen C1860707, MONDO:0013199, OMIM 613254.

Submission:

Myriad Genetics, Inc.
Classification: Benign for Tuberous sclerosis 2. Last evaluated: 2025-06-05. Review status: criteria provided, single submitter. Criteria: Myriad Autosomal Dominant, Autosomal Recessive and X-Linked Classification Criteria (2023). Collection method: clinical testing. Allele origin: unknown.
Comment: This variant is considered benign. This variant is a silent/synonymous amino acid change and it is not expected to impact splicing.

NM_000548.5(TSC2):c.5028G>C (p.Leu1676=)

Gene: TSC2 (TSC complex subunit 2; plus strand). Cytogenetic location: 16p13.3.
Variant type: single nucleotide variant.
Coding change: c.5028G>C on transcript NM_000548.5 (MANE Select); coding-DNA position 5028, G replaced by C.
Protein change: p.Leu1676=; no amino-acid change (leucine 1676 retained).
Molecular consequence: synonymous variant. On other transcripts: non-coding transcript variant (5).
Genome position (GRCh38, 1-based): chr16:2,087,901, G>C. VCF-style: chr16-2087901-G-C. GRCh37 (hg19) VCF-style: chr16-2137902-G-C.
Other names: c.4860G>C, p.Leu1620= (NM_001318832.2); c.4830G>C, p.Leu1610= (NM_001363528.2); c.4896G>C, p.Leu1632= (NM_001370404.1); c.4899G>C, p.Leu1633= (NM_001370405.1, NM_021055.3); c.5025G>C, p.Leu1675= (NM_001406663.1); c.4956G>C, p.Leu1652= (NM_001406664.1); c.4950G>C, p.Leu1650= (NM_001406665.1); c.4920G>C, p.Leu1640= (NM_001406667.1); and 26 more.
Identifiers: ClinVar variation 4071294 (VCV004071294.1).